The following is an entry in ClinVar:

NM_025193.4(HSD3B7):c.781G>A (p.Asp261Asn)

Gene: HSD3B7 (hydroxy-delta-5-steroid dehydrogenase, 3 beta- and steroid delta-isomerase 7; plus strand). Cytogenetic location: 16p11.2.
Variant type: single nucleotide variant.
Coding change: c.781G>A on transcript NM_025193.4 (MANE Select); coding-DNA position 781, G replaced by A.
Protein change: p.Asp261Asn; replaces aspartic acid 261 with asparagine.
Molecular consequence: missense variant. On other transcripts: 3 prime UTR variant (2).
Genome position (GRCh38, 1-based): chr16:30,987,854, G>A. VCF-style: chr16-30987854-G-A. GRCh37 (hg19) VCF-style: chr16-30999175-G-A.
Other names: c.*27G>A (NM_001142777.2, NM_001142778.2); short protein forms D261N.
Identifiers: ClinVar variation 4987247 (VCV004987247.1).

ClinVar aggregate classification (germline): Likely pathogenic (1 of 4 stars; one submission).

Conditions:
HSD3B7-related disorder. Also called: HSD3B7-related condition.

Submission:

PreventionGenetics, part of Exact Sciences
Classification: Likely pathogenic for HSD3B7-related condition. Last evaluated: 2025-11-11. Review status: criteria provided, single submitter. Criteria: ACMG Guidelines, 2015. Collection method: clinical testing. Allele origin: germline.
Comment: The HSD3B7 c.781G>A variant is predicted to result in the amino acid substitution p.Asp261Asn. This variant was reported with a pathogenic truncating variant in an individual with cholestasis due to HSD3B7-deficiency (likely the same patient at Table S1 of Wang et al. 2020. PubMed ID: 31450232 and Zhao et al. 2021. PubMed ID: 34627351). This variant is reported in 0.0029% of alleles in individuals of Latino descent in gnomAD. This variant is interpreted as likely pathogenic.